The following is an entry in ClinVar:

NM_199242.3(UNC13D):c.754-9G>A

Gene: UNC13D (unc-13 homolog D; minus strand). Cytogenetic location: 17q25.1.
Variant type: single nucleotide variant.
Coding change: c.754-9G>A on transcript NM_199242.3 (MANE Select); 9 bases into the intron before coding-DNA position 754, G replaced by A.
Molecular consequence: intron variant.
Genome position (GRCh38, 1-based): chr17:75,840,338, C>T on the plus strand (G>A on the coding strand, the complement: UNC13D is on the minus strand). VCF-style: chr17-75840338-C-T. GRCh37 (hg19) VCF-style: chr17-73836419-C-T.
Other names: c.754-9G>A (NM_199242.2).
Identifiers: ClinVar variation 1407953 (VCV001407953.10), dbSNP rs765308578, ClinGen allele CA8773284.
Genomic context (GRCh38, chr17:75,840,338, plus strand): 5'-TCTCAGTGCGGGGTTCCAGGGGGTACCACTGGTCCTCTCGGCAGCGCAGGTCCTGACAGG[C>T]GGGGATGCCCAGCCCGTGAGCGTCAGAACCTCATAGAGTCGGGGCAGCGGAGGCGACAGG-3'

ClinVar aggregate classification (germline): Likely benign. Review status: criteria provided, single submitter (1 of 4 stars). 2 submissions from 2 submitters: Likely benign (1). 1 of the submissions does not count toward it. Last evaluated 2025-04-22.

Conditions:
Familial hemophagocytic lymphohistiocytosis 3 (FHL3). Also called: UNC13D-Related Familial Hemophagocytic Lymphohistiocytosis (UNC13D-fHLH). Identifiers: Orphanet 540, MedGen C1837174, MONDO:0012146, OMIM 608898.
UNC13D-related disorder. Also called: UNC13D-related condition.

Allele frequency attached by ClinVar (database versions not stated): ExAC 0.00002; gnomAD exomes 0.00004; TOPMed 0.00004.
gnomAD v4.1: 50 of 1,612,960 alleles (0.0031%); highest among the groups gnomAD compares: Admixed American, 0.005%; no homozygotes.

Submissions (2):

Labcorp Genetics (formerly Invitae), Labcorp
Classification: Likely benign for Familial hemophagocytic lymphohistiocytosis 3. Last evaluated: 2025-04-22. Review status: criteria provided, single submitter. Criteria: Invitae Variant Classification Sherloc (09022015). Collection method: clinical testing. Allele origin: germline.

PreventionGenetics, part of Exact Sciences
Classification: Likely benign for UNC13D-related condition. Last evaluated: 2019-02-20. Review status: no assertion criteria provided. Collection method: clinical testing. Allele origin: germline. Not counted in ClinVar's aggregate classification.
Comment: This variant is classified as likely benign based on ACMG/AMP sequence variant interpretation guidelines (Richards et al. 2015 PMID: 25741868, with internal and published modifications).